The following is an entry in ClinVar:

ClinVar aggregate classification (germline): Uncertain significance (1 of 4 stars; one submission).

Conditions:
Hypertrophic cardiomyopathy 1 (CMH1). Also called: MYH7-Related Familial Hypertrophic Cardiomyopathy; Familial hypertrophic cardiomyopathy 1. Identifiers: MedGen C3495498, MONDO:0008647, OMIM 192600.

Submission:

Labcorp Genetics (formerly Invitae), Labcorp
Classification: Uncertain significance for Hypertrophic cardiomyopathy 1. Last evaluated: 2025-09-02. Review status: criteria provided, single submitter. Criteria: Invitae Variant Classification Sherloc (09022015). Collection method: clinical testing. Allele origin: germline.
Comment: This sequence change replaces asparagine, which is neutral and polar, with lysine, which is basic and polar, at codon 542 of the MYLK2 protein (p.Asn542Lys). This variant is not present in population databases (gnomAD no frequency). This variant has not been reported in the literature in individuals affected with MYLK2-related conditions. Invitae Evidence Modeling of protein sequence and biophysical properties (such as structural, functional, and spatial information, amino acid conservation, physicochemical variation, residue mobility, and thermodynamic stability) indicates that this missense variant is not expected to disrupt MYLK2 protein function with a negative predictive value of 80%. In summary, the available evidence is currently insufficient to determine the role of this variant in disease. Therefore, it has been classified as a Variant of Uncertain Significance.

NM_033118.4(MYLK2):c.1626C>G (p.Asn542Lys)

Gene: MYLK2 (myosin light chain kinase 2; plus strand). Cytogenetic location: 20q11.21.
Variant type: single nucleotide variant.
Coding change: c.1626C>G on transcript NM_033118.4 (MANE Select); coding-DNA position 1626, C replaced by G.
Protein change: p.Asn542Lys; replaces asparagine 542 with lysine.
Molecular consequence: missense variant.
Genome position (GRCh38, 1-based): chr20:31,832,052, C>G. VCF-style: chr20-31832052-C-G. GRCh37 (hg19) VCF-style: chr20-30419855-C-G.
Other names: short protein forms N542K.
Identifiers: ClinVar variation 4692976 (VCV004692976.1).